The following is an entry in ClinVar:

ClinVar aggregate classification (germline): Uncertain significance. Review status: criteria provided, multiple submitters, no conflicts (2 of 4 stars). 2 submissions from 2 submitters: Uncertain significance (2). Last evaluated 2026-01-27.

Conditions:
Autosomal recessive limb-girdle muscular dystrophy type 2J (LGMDR10). Also called: Limb-girdle muscular dystrophy, type 2J; MUSCULAR DYSTROPHY, LIMB-GIRDLE, AUTOSOMAL RECESSIVE 10. Identifiers: Orphanet 140922, MedGen C1837342, MONDO:0012127, OMIM 608807.
Dilated cardiomyopathy 1G (CMD1G). Identifiers: Orphanet 154, MedGen C1858763, MONDO:0011400, OMIM 604145.
Myopathy, myofibrillar, 9, with early respiratory failure (MFM9). Also called: EDSTROM MYOPATHY; MYOPATHY, PROXIMAL, WITH EARLY RESPIRATORY MUSCLE INVOLVEMENT; Hereditary myopathy with early respiratory failure; Myopathy, distal, with early respiratory failure, autosomal dominant. Identifiers: Orphanet 178464, Orphanet 34521, MedGen C1863599, MONDO:0011362, OMIM 603689.
Hypertrophic cardiomyopathy 9. Also called: Familial hypertrophic cardiomyopathy 9. Identifiers: MedGen C1861065, MONDO:0013412, OMIM 613765.
Early-onset myopathy with fatal cardiomyopathy (CMYO5). Also called: Salih Myopathy; CONGENITAL MYOPATHY 5 WITH CARDIOMYOPATHY. Identifiers: Orphanet 289377, MedGen C2673677, MONDO:0012714, OMIM 611705. Disease mechanism: loss of function.
Tibial muscular dystrophy (TMD). Also called: UDD MYOPATHY; Tibial muscular dystrophy, tardive; Udd Distal Myopathy – Tibial Muscular Dystrophy. Identifiers: Orphanet 609, MedGen C1838244, MONDO:0010870, OMIM 600334.

Allele frequency attached by ClinVar (database versions not stated): gnomAD 0.00001; gnomAD exomes 0.00001 and 0.00005; TOPMed 0.00003; ExAC 0.00005.
gnomAD v4.1: 10 of 1,543,180 alleles (0.00065%); highest among the groups gnomAD compares: Admixed American, 0.02%; no homozygotes.

Submissions (2):

Labcorp Genetics (formerly Invitae), Labcorp
Classification: Uncertain significance for Dilated cardiomyopathy 1G; Autosomal recessive limb-girdle muscular dystrophy type 2J. Last evaluated: 2026-01-27. Review status: criteria provided, single submitter. Criteria: Invitae Variant Classification Sherloc (09022015). Collection method: clinical testing. Allele origin: germline.
Comment: This sequence change replaces valine, which is neutral and non-polar, with phenylalanine, which is neutral and non-polar, at codon 10824 of the TTN protein (p.Val10824Phe). This variant also falls at the last nucleotide of exon 129, which is part of the consensus splice site for this exon. This variant is present in population databases (rs753951400, gnomAD 0.03%). This variant has not been reported in the literature in individuals affected with TTN-related conditions. ClinVar contains an entry for this variant (Variation ID: 467015). Experimental studies and prediction algorithms are not available or were not evaluated, and the functional significance of this variant is currently unknown. Variants that disrupt the consensus splice site are a relatively common cause of aberrant splicing (PMID: 17576681, 9536098). Algorithms developed to predict the effect of sequence changes on RNA splicing suggest that this variant may disrupt the consensus splice site. This variant is located in the I band of TTN (PMID: 25589632). Non-truncating variants in this region may be clinically relevant, but have not been definitively shown to cause cardiomyopathy or neuromuscular disease (PMID: 27493940, 32778822). In summary, the available evidence is currently insufficient to determine the role of this variant in disease. Therefore, it has been classified as a Variant of Uncertain Significance.

Fulgent Genetics
Classification: Uncertain significance for Tibial muscular dystrophy; Myopathy, myofibrillar, 9, with early respiratory failure; Dilated cardiomyopathy 1G; Autosomal recessive limb-girdle muscular dystrophy type 2J; Early-onset myopathy with fatal cardiomyopathy; Hypertrophic cardiomyopathy 9. Last evaluated: 2021-09-16. Review status: criteria provided, single submitter. Criteria: ACMG Guidelines, 2015. Collection method: clinical testing. Allele origin: unknown.

Literature cited by the submitters: PubMed 17576681 (cited by Labcorp Genetics (formerly Invitae), Labcorp); PubMed 9536098 (cited by Labcorp Genetics (formerly Invitae), Labcorp); PubMed 25589632 (cited by Labcorp Genetics (formerly Invitae), Labcorp); PubMed 27493940 (cited by Labcorp Genetics (formerly Invitae), Labcorp); PubMed 32778822 (cited by Labcorp Genetics (formerly Invitae), Labcorp).

NM_001267550.2(TTN):c.32470G>T (p.Val10824Phe)

Gene: TTN (titin; minus strand). Cytogenetic location: 2q31.2.
Variant type: single nucleotide variant.
Coding change: c.32470G>T on transcript NM_001267550.2 (MANE Select); coding-DNA position 32470, G replaced by T.
Protein change: p.Val10824Phe; replaces valine 10824 with phenylalanine.
Molecular consequence: missense variant. On other transcripts: intron variant (3).
Genome position (GRCh38, 1-based): chr2:178,685,253, C>A on the plus strand (G>T on the coding strand, the complement: TTN is on the minus strand). VCF-style: chr2-178685253-C-A. GRCh37 (hg19) VCF-style: chr2-179549980-C-A.
Other names: c.31519G>T, p.Val10507Phe (NM_001256850.1); c.28738G>T, p.Val9580Phe (NM_133378.4); c.13283-42936G>T (NM_003319.4); c.13859-42936G>T (NM_133437.4); c.13658-42936G>T (NM_133432.3); short protein forms V10824F, V9580F, V10507F.
Identifiers: ClinVar variation 467015 (VCV000467015.12), dbSNP rs753951400, ClinGen allele CA1998637.